The following is an entry in ClinVar:

ClinVar aggregate classification (germline): Uncertain significance (1 of 4 stars; one submission).

Conditions:
Polyglandular autoimmune syndrome, type 1 (APS1). Also called: AUTOIMMUNE POLYENDOCRINE SYNDROME, TYPE I, WITH OR WITHOUT REVERSIBLE METAPHYSEAL DYSPLASIA; Whitaker syndrome; Autoimmune polyendocrinopathy syndrome, type I; Autoimmune polyendocrine syndrome type 1; HYPOADRENOCORTICISM WITH HYPOPARATHYROIDISM AND SUPERFICIAL MONILIASIS; PGA I. Identifiers: Orphanet 3453, MedGen C0085859, MONDO:0009411, OMIM 240300.

Submission:

Labcorp Genetics (formerly Invitae), Labcorp
Classification: Uncertain significance for Polyglandular autoimmune syndrome, type 1. Last evaluated: 2022-09-26. Review status: criteria provided, single submitter. Criteria: Invitae Variant Classification Sherloc (09022015). Collection method: clinical testing. Allele origin: germline.
Comment: In summary, the available evidence is currently insufficient to determine the role of this variant in disease. Therefore, it has been classified as a Variant of Uncertain Significance. This sequence change replaces leucine, which is neutral and non-polar, with proline, which is neutral and non-polar, at codon 470 of the AIRE protein (p.Leu470Pro). This variant is not present in population databases (gnomAD no frequency). Advanced modeling of protein sequence and biophysical properties (such as structural, functional, and spatial information, amino acid conservation, physicochemical variation, residue mobility, and thermodynamic stability) performed at Invitae indicates that this missense variant is not expected to disrupt AIRE protein function. This variant has not been reported in the literature in individuals affected with AIRE-related conditions.

NM_000383.4(AIRE):c.1409T>C (p.Leu470Pro)

Gene: AIRE (autoimmune regulator; plus strand). Cytogenetic location: 21q22.3.
Variant type: single nucleotide variant.
Coding change: c.1409T>C on transcript NM_000383.4 (MANE Select); coding-DNA position 1409, T replaced by C.
Protein change: p.Leu470Pro; replaces leucine 470 with proline.
Molecular consequence: missense variant.
Genome position (GRCh38, 1-based): chr21:44,294,409, T>C. VCF-style: chr21-44294409-T-C. GRCh37 (hg19) VCF-style: chr21-45714292-T-C.
Other names: short protein forms L470P.
Identifiers: ClinVar variation 2173565 (VCV002173565.4), dbSNP rs1365741058, ClinGen allele CA410425865.
Genomic context (GRCh38, chr21:44,294,409, plus strand): 5'-GTGGCACTCCTGCTCCCCCCCAGGGCTGGCAGCCCCTCATCCTCTGCTGCAGGACGGGCC[T>C]GCGCTGCAGATCCTGCTCAGGAGACGTGACCCCAGCCCCTGTGGAGGGGGTGCTGGCCCC-3'
Protein context (NP_000374.1, residues 460-480): PAGTSRPGTG[Leu470Pro]RCRSCSGDVT